The following is an entry in ClinVar:

NM_001377.3(DYNC2H1):c.8230_8232del (p.Leu2744del)

Gene: DYNC2H1 (dynein cytoplasmic 2 heavy chain 1; plus strand). Cytogenetic location: 11q22.3.
Variant type: Deletion.
Coding change: c.8230_8232del on transcript NM_001377.3 (MANE Select); coding-DNA positions 8230 to 8232, 3 bases deleted (TTA; older notation c.8230_8232delTTA).
Protein change: p.Leu2744del; deletes leucine 2744.
Molecular consequence: inframe deletion.
Genome position (GRCh38, 1-based): chr11:103,203,695-103,203,697, TTA deleted; deleting any 3 consecutive bases within chr11:103,203,694-103,203,697 gives the same sequence; the c. name uses the placement nearest the transcript's 3' end. VCF-style (leftmost placement, unchanged base first): chr11-103203693-AATT-A. GRCh37 (hg19) VCF-style: chr11-103074422-AATT-A.
Other names: c.8230_8232del, p.Leu2744del (NM_001080463.2); short protein forms L2744del.
Identifiers: ClinVar variation 5004132 (VCV005004132.1).

ClinVar aggregate classification (germline): Uncertain significance (1 of 4 stars; one submission).

Conditions:
Asphyxiating thoracic dystrophy 3. Also called: SHORT-RIB THORACIC DYSPLASIA 3 WITH OR WITHOUT POLYDACTYLY; POLYDACTYLY WITH NEONATAL CHONDRODYSTROPHY, TYPE I; SHORT-RIB THORACIC DYSPLASIA 3/6 WITH POLYDACTYLY, DIGENIC; Short rib polydactyly syndrome 2B; Saldino-Noonan Syndrome. Identifiers: Orphanet 474, Orphanet 93269, Orphanet 93270, Orphanet 93271, MedGen C0036069, MONDO:0013127, OMIM 613091.

Submission:

Myriad Genetics, Inc.
Classification: Uncertain significance for Asphyxiating thoracic dystrophy 3. Last evaluated: 2025-08-26. Review status: criteria provided, single submitter. Criteria: Myriad Autosomal Dominant, Autosomal Recessive and X-Linked Classification Criteria (2023). Collection method: clinical testing. Allele origin: unknown.
Comment: NM_001377.2(DYNC2H1):c.8230_8232delTTA(L2744del) is an in-frame deletion classified as a variant of uncertain significance in the context of DYNC2H1-related disorders. L2744del has not been observed in cases with relevant disease. Relevant functional assessments of this variant are not available in the literature. L2744del has not been observed in referenced population frequency databases. In summary, there is insufficient evidence to classify NM_001377.2(DYNC2H1):c.8230_8232delTTA(L2744del) as pathogenic or benign. Please note: this variant was assessed in the context of healthy population screening.